The following is an entry in ClinVar:

ClinVar aggregate classification (germline): Uncertain significance (1 of 4 stars; one submission).

Allele frequency attached by ClinVar (database versions not stated): gnomAD exomes below 0.00001.
gnomAD v4.1: 1 of 1,611,676 alleles (0.000062%); highest among the groups gnomAD compares: Non-Finnish European, 0.000085%; no homozygotes.

Submission:

Labcorp Genetics (formerly Invitae), Labcorp
Classification: Uncertain significance. Last evaluated: 2022-10-13. Review status: criteria provided, single submitter. Criteria: Invitae Variant Classification Sherloc (09022015). Collection method: clinical testing. Allele origin: germline.
Comment: In summary, the available evidence is currently insufficient to determine the role of this variant in disease. Therefore, it has been classified as a Variant of Uncertain Significance. Algorithms developed to predict the effect of missense changes on protein structure and function (SIFT, PolyPhen-2, Align-GVGD) all suggest that this variant is likely to be tolerated. This sequence change replaces histidine, which is basic and polar, with tyrosine, which is neutral and polar, at codon 236 of the CERKL protein (p.His236Tyr). This variant is not present in population databases (gnomAD no frequency). This variant has not been reported in the literature in individuals affected with CERKL-related conditions. ClinVar contains an entry for this variant (Variation ID: 1504406).

NM_201548.5(CERKL):c.677+576C>T

Gene: CERKL (CERK like autophagy regulator; minus strand). Cytogenetic location: 2q31.3.
Variant type: single nucleotide variant.
Coding change: c.677+576C>T on transcript NM_201548.5 (MANE Select); 576 bases into the intron after coding-DNA position 677, C replaced by T.
Molecular consequence: intron variant. On other transcripts: missense variant (2).
Genome position (GRCh38, 1-based): chr2:181,565,482, G>A on the plus strand (C>T on the coding strand, the complement: CERKL is on the minus strand). VCF-style: chr2-181565482-G-A. GRCh37 (hg19) VCF-style: chr2-182430209-G-A.
Other names: c.706C>T, p.His236Tyr (NM_001030311.3); c.574C>T, p.His192Tyr (NM_001160277.2); c.482-15774C>T (NM_001030312.3); c.613+8271C>T (NM_001030313.3); short protein forms H192Y, H236Y.
Identifiers: ClinVar variation 1504406 (VCV001504406.6), dbSNP rs2105832170, ClinGen allele CA349742613.
Genomic context (GRCh38, chr2:181,565,482, plus strand): 5'-ATATCACTTGCCTTGGTTCTAACGTTTGCATGCCAGTGAACAATCTCTGTACACTCCAAT[G>A]TATTGCGAACAATGGTTTCCGATGCCCACTGTGAATAACATACCTAAATTGTAGTCACTA-3'